The following is an entry in ClinVar:

ClinVar aggregate classification (germline): Uncertain significance (1 of 4 stars; one submission).

Conditions:
Lethal multiple pterygium syndrome (LMPS). Identifiers: Orphanet 33108, MedGen C1854678, MONDO:0009668, OMIM 253290.

Allele frequency attached by ClinVar (database versions not stated): ExAC 0.00003.
gnomAD v4.1: 19 of 1,614,114 alleles (0.0012%); highest among the groups gnomAD compares: Admixed American, 0.005%; no homozygotes.

Submission:

Labcorp Genetics (formerly Invitae), Labcorp
Classification: Uncertain significance for Lethal multiple pterygium syndrome. Last evaluated: 2025-04-17. Review status: criteria provided, single submitter. Criteria: Invitae Variant Classification Sherloc (09022015). Collection method: clinical testing. Allele origin: germline.
Comment: This sequence change replaces arginine, which is basic and polar, with serine, which is neutral and polar, at codon 102 of the CHRND protein (p.Arg102Ser). This variant is present in population databases (rs775578238, gnomAD 0.006%). This variant has not been reported in the literature in individuals affected with CHRND-related conditions. ClinVar contains an entry for this variant (Variation ID: 1898875). Invitae Evidence Modeling of protein sequence and biophysical properties (such as structural, functional, and spatial information, amino acid conservation, physicochemical variation, residue mobility, and thermodynamic stability) has been performed for this missense variant. However, the output from this modeling did not meet the statistical confidence thresholds required to predict the impact of this variant on CHRND protein function. In summary, the available evidence is currently insufficient to determine the role of this variant in disease. Therefore, it has been classified as a Variant of Uncertain Significance.

NM_000751.3(CHRND):c.304C>A (p.Arg102Ser)

Gene: CHRND (cholinergic receptor nicotinic delta subunit; plus strand). Cytogenetic location: 2q37.1.
Variant type: single nucleotide variant.
Coding change: c.304C>A on transcript NM_000751.3 (MANE Select); coding-DNA position 304, C replaced by A.
Protein change: p.Arg102Ser; replaces arginine 102 with serine.
Molecular consequence: missense variant. On other transcripts: nonsense (2).
Genome position (GRCh38, 1-based): chr2:232,528,322, C>A. VCF-style: chr2-232528322-C-A. GRCh37 (hg19) VCF-style: chr2-233393032-C-A.
Other names: c.259C>A, p.Arg87Ser (NM_001256657.2); c.33C>A, p.Cys11Ter (NM_001311195.2, NM_001311196.2); short protein forms C11*, R102S, R87S.
Identifiers: ClinVar variation 1898875 (VCV001898875.5), dbSNP rs775578238, ClinGen allele CA2167983.